The following is an entry in ClinVar:

NM_005026.5(PIK3CD):c.1009G>C (p.Glu337Gln)

Gene: PIK3CD (phosphatidylinositol-4,5-bisphosphate 3-kinase catalytic subunit delta; plus strand). Cytogenetic location: 1p36.22.
Variant type: single nucleotide variant.
Coding change: c.1009G>C on transcript NM_005026.5 (MANE Select); coding-DNA position 1009, G replaced by C.
Protein change: p.Glu337Gln; replaces glutamic acid 337 with glutamine.
Molecular consequence: missense variant.
Genome position (GRCh38, 1-based): chr1:9,717,615, G>C. VCF-style: chr1-9717615-G-C. GRCh37 (hg19) VCF-style: chr1-9777673-G-C.
Other names: c.1009G>C, p.Glu337Gln (NM_001350234.2); c.922G>C, p.Glu308Gln (NM_001350235.1); short protein forms E308Q, E337Q.
Identifiers: ClinVar variation 2767360 (VCV002767360.3), dbSNP rs2524890870, ClinGen allele CA338301887.

ClinVar aggregate classification (germline): Uncertain significance (1 of 4 stars; one submission).

Conditions:
Immunodeficiency 14 (IMD14A). Also called: p110-DELTA-ACTIVATING MUTATION CAUSING SENESCENT T CELLS, LYMPHADENOPATHY, AND IMMUNODEFICIENCY; IMMUNODEFICIENCY 14A WITH LYMPHOPROLIFERATION, AUTOSOMAL DOMINANT; ACTIVATED PI3K-DELTA SYNDROME 1; Activated PI3K Delta Syndrome Type 1 (APDS1). Identifiers: Orphanet 397596, Orphanet 693661, MedGen C5907821, MONDO:0014222, OMIM 615513.

Submission:

Labcorp Genetics (formerly Invitae), Labcorp
Classification: Uncertain significance for Activated PI3K-delta syndrome. Last evaluated: 2024-07-01. Review status: criteria provided, single submitter. Criteria: Invitae Variant Classification Sherloc (09022015). Collection method: clinical testing. Allele origin: germline.
Comment: This sequence change replaces glutamic acid, which is acidic and polar, with glutamine, which is neutral and polar, at codon 337 of the PIK3CD protein (p.Glu337Gln). This variant is not present in population databases (gnomAD no frequency). This variant has not been reported in the literature in individuals affected with PIK3CD-related conditions. Advanced modeling of protein sequence and biophysical properties (such as structural, functional, and spatial information, amino acid conservation, physicochemical variation, residue mobility, and thermodynamic stability) performed at Invitae indicates that this missense variant is expected to disrupt PIK3CD protein function with a positive predictive value of 80%. In summary, the available evidence is currently insufficient to determine the role of this variant in disease. Therefore, it has been classified as a Variant of Uncertain Significance.